The following is an entry in ClinVar:

NM_176824.3(BBS7):c.794T>C (p.Met265Thr)

Gene: BBS7 (Bardet-Biedl syndrome 7; minus strand). Cytogenetic location: 4q27.
Variant type: single nucleotide variant.
Coding change: c.794T>C on transcript NM_176824.3 (MANE Select); coding-DNA position 794, T replaced by C.
Protein change: p.Met265Thr; replaces methionine 265 with threonine.
Molecular consequence: missense variant.
Genome position (GRCh38, 1-based): chr4:121,853,011, A>G on the plus strand (T>C on the coding strand, the complement: BBS7 is on the minus strand). VCF-style: chr4-121853011-A-G. GRCh37 (hg19) VCF-style: chr4-122774166-A-G.
Other names: c.794T>C, p.Met265Thr (NM_018190.4); short protein forms M265T.
Identifiers: ClinVar variation 962642 (VCV000962642.7), dbSNP rs1726404404, ClinGen allele CA358064360.

ClinVar aggregate classification (germline): Uncertain significance (1 of 4 stars; one submission).

Conditions:
Bardet-Biedl syndrome (BBS). Identifiers: Orphanet 110, MedGen C0752166, MONDO:0015229.

Submission:

Labcorp Genetics (formerly Invitae), Labcorp
Classification: Uncertain significance for Bardet-Biedl syndrome. Last evaluated: 2022-10-18. Review status: criteria provided, single submitter. Criteria: Invitae Variant Classification Sherloc (09022015). Collection method: clinical testing. Allele origin: germline.
Comment: ClinVar contains an entry for this variant (Variation ID: 962642). This variant has not been reported in the literature in individuals affected with BBS7-related conditions. This variant is not present in population databases (gnomAD no frequency). This sequence change replaces methionine, which is neutral and non-polar, with threonine, which is neutral and polar, at codon 265 of the BBS7 protein (p.Met265Thr). Advanced modeling of protein sequence and biophysical properties (such as structural, functional, and spatial information, amino acid conservation, physicochemical variation, residue mobility, and thermodynamic stability) performed at Invitae indicates that this missense variant is not expected to disrupt BBS7 protein function. In summary, the available evidence is currently insufficient to determine the role of this variant in disease. Therefore, it has been classified as a Variant of Uncertain Significance.